The following is an entry in ClinVar:

ClinVar aggregate classification (germline): Uncertain significance (1 of 4 stars; one submission).

Conditions:
KDM6B-related disorder. Also called: KDM6B-related condition.

Allele frequency attached by ClinVar (database versions not stated): TOPMed below 0.00001.

Submission:

PreventionGenetics, part of Exact Sciences
Classification: Uncertain significance for KDM6B-related condition. Last evaluated: 2023-08-02. Review status: criteria provided, single submitter. Criteria: ACMG Guidelines, 2015. Collection method: clinical testing. Allele origin: germline.
Comment: The KDM6B c.2966C>T variant is predicted to result in the amino acid substitution p.Ala989Val. To our knowledge, this variant has not been reported in the literature or in a large population database, indicating this variant is rare. At this time, the clinical significance of this variant is uncertain due to the absence of conclusive functional and genetic evidence.

NM_001348716.2(KDM6B):c.2966C>T (p.Ala989Val)

Gene: KDM6B (lysine demethylase 6B; plus strand). Cytogenetic location: 17p13.1.
Variant type: single nucleotide variant.
Coding change: c.2966C>T on transcript NM_001348716.2 (MANE Select); coding-DNA position 2966, C replaced by T.
Protein change: p.Ala989Val; replaces alanine 989 with valine.
Molecular consequence: missense variant.
Genome position (GRCh38, 1-based): chr17:7,849,254, C>T. VCF-style: chr17-7849254-C-T. GRCh37 (hg19) VCF-style: chr17-7752572-C-T.
Other names: c.2966C>T, p.Ala989Val (NM_001080424.2); short protein forms A989V.
Identifiers: ClinVar variation 2636650 (VCV002636650.1), dbSNP rs2078639740, ClinGen allele CA397921653.